The following is an entry in ClinVar:

NM_004836.7(EIF2AK3):c.2026A>T (p.Lys676Ter)

Gene: EIF2AK3 (eukaryotic translation initiation factor 2 alpha kinase 3; minus strand). Cytogenetic location: 2p11.2.
Variant type: single nucleotide variant.
Coding change: c.2026A>T on transcript NM_004836.7 (MANE Select); coding-DNA position 2026, A replaced by T.
Protein change: p.Lys676Ter; replaces lysine 676 with a stop codon.
Molecular consequence: nonsense.
Genome position (GRCh38, 1-based): chr2:88,576,564, T>A on the plus strand (A>T on the coding strand, the complement: EIF2AK3 is on the minus strand). VCF-style: chr2-88576564-T-A. GRCh37 (hg19) VCF-style: chr2-88876082-T-A.
Other names: c.1573A>T, p.Lys525Ter (NM_001313915.2); short protein forms K676*, K525*.
Identifiers: ClinVar variation 2852264 (VCV002852264.3), dbSNP rs1674463832, ClinGen allele CA347593088.

ClinVar aggregate classification (germline): Pathogenic (1 of 4 stars; one submission).

Submission:

Labcorp Genetics (formerly Invitae), Labcorp
Classification: Pathogenic. Last evaluated: 2023-04-06. Review status: criteria provided, single submitter. Criteria: Invitae Variant Classification Sherloc (09022015). Collection method: clinical testing. Allele origin: germline.
Comment: For these reasons, this variant has been classified as Pathogenic. This variant has not been reported in the literature in individuals affected with EIF2AK3-related conditions. This variant is not present in population databases (gnomAD no frequency). This sequence change creates a premature translational stop signal (p.Lys676*) in the EIF2AK3 gene. It is expected to result in an absent or disrupted protein product. Loss-of-function variants in EIF2AK3 are known to be pathogenic (PMID: 11997520).

Literature cited by the submitters: PubMed 11997520.